The following is an entry in ClinVar:

NM_006218.4(PIK3CA):c.1222T>A (p.Ser408Thr)

Gene: PIK3CA (phosphatidylinositol-4,5-bisphosphate 3-kinase catalytic subunit alpha; plus strand). Cytogenetic location: 3q26.32.
Variant type: single nucleotide variant.
Coding change: c.1222T>A on transcript NM_006218.4 (MANE Select); coding-DNA position 1222, T replaced by A.
Protein change: p.Ser408Thr; replaces serine 408 with threonine.
Molecular consequence: missense variant.
Genome position (GRCh38, 1-based): chr3:179,209,671, T>A. VCF-style: chr3-179209671-T-A. GRCh37 (hg19) VCF-style: chr3-178927459-T-A.
Other names: short protein forms S408T.
Identifiers: ClinVar variation 3225327 (VCV003225327.1), dbSNP rs2473509510, ClinGen allele CA355261458.

ClinVar aggregate classification (germline): Uncertain significance (1 of 4 stars; one submission).

Conditions:
Inborn genetic diseases. Identifiers: MedGen C0950123, MeSH D030342.

Submission:

Ambry Genetics
Classification: Uncertain significance for Inborn genetic diseases. Last evaluated: 2024-02-22. Review status: criteria provided, single submitter. Criteria: Ambry Variant Classification Scheme 2023. Collection method: clinical testing. Allele origin: germline.
Comment: The p.S408T variant (also known as c.1222T>A), located in coding exon 6 of the PIK3CA gene, results from a T to A substitution at nucleotide position 1222. The serine at codon 408 is replaced by threonine, an amino acid with similar properties. This amino acid position is conserved. In addition, the in silico prediction for this alteration is inconclusive. Based on the available evidence, the clinical significance of this alteration remains unclear.